The following is an entry in ClinVar:

NM_000143.4(FH):c.944T>C (p.Leu315Pro)

Gene: FH (fumarate hydratase; minus strand). Cytogenetic location: 1q43.
Variant type: single nucleotide variant.
Coding change: c.944T>C on transcript NM_000143.4 (MANE Select); coding-DNA position 944, T replaced by C.
Protein change: p.Leu315Pro; replaces leucine 315 with proline.
Molecular consequence: missense variant.
Genome position (GRCh38, 1-based): chr1:241,504,206, A>G on the plus strand (T>C on the coding strand, the complement: FH is on the minus strand). VCF-style: chr1-241504206-A-G. GRCh37 (hg19) VCF-style: chr1-241667506-A-G.
Other names: short protein forms L315P.
Identifiers: ClinVar variation 666168 (VCV000666168.11), dbSNP rs1573880531, ClinGen allele CA345438358.

ClinVar aggregate classification (germline): Likely pathogenic. Review status: criteria provided, multiple submitters, no conflicts (2 of 4 stars). 3 submissions from 3 submitters: Likely pathogenic (3). Last evaluated 2026-04-28.

Conditions:
Hereditary cancer. Identifiers: MedGen C1333600.
Inherited renal cancer.

Submissions (3):

Genetics Laboratory, Great Ormond Street Hospital NHS Foundation Trust, North Thames Genomic Laboratory Hub
Classification: Likely pathogenic for Inherited renal cancer. Last evaluated: 2026-04-28. Review status: criteria provided, single submitter. Criteria: CanVIG Consensus Spec V3.0. Collection method: clinical testing. Allele origin: germline. Affected: yes.
Comment: PS4_moderate, PM2_moderate, PP3_supporting, PS3_moderate

Mendelics
Classification: Likely pathogenic for Hereditary cancer. Last evaluated: 2024-08-12. Review status: criteria provided, single submitter. Criteria: ACMG Guidelines, 2015. Collection method: clinical testing. Allele origin: unknown.

Labcorp Genetics (formerly Invitae), Labcorp
Classification: Likely pathogenic. Last evaluated: 2023-06-02. Review status: criteria provided, single submitter. Criteria: Invitae Variant Classification Sherloc (09022015). Collection method: clinical testing. Allele origin: germline.
Comment: This sequence change replaces leucine, which is neutral and non-polar, with proline, which is neutral and non-polar, at codon 315 of the FH protein (p.Leu315Pro). This variant is not present in population databases (gnomAD no frequency). This missense change has been observed in individuals with hereditary leiomyomatosis and renal cell carcinoma (PMID: 21398687, 28300276). This variant is also known as c.815T>C (p.Leu272Pro). ClinVar contains an entry for this variant (Variation ID: 666168). Advanced modeling of protein sequence and biophysical properties (such as structural, functional, and spatial information, amino acid conservation, physicochemical variation, residue mobility, and thermodynamic stability) performed at Invitae indicates that this missense variant is expected to disrupt FH protein function. Experimental studies have shown that this missense change affects FH function (PMID: 21560188). In summary, the currently available evidence indicates that the variant is pathogenic, but additional data are needed to prove that conclusively. Therefore, this variant has been classified as Likely Pathogenic.

Literature cited by the submitters: PubMed 21398687 (cited by Labcorp Genetics (formerly Invitae), Labcorp); PubMed 28300276 (cited by Labcorp Genetics (formerly Invitae), Labcorp); PubMed 21560188 (cited by Labcorp Genetics (formerly Invitae), Labcorp).